The following is an entry in ClinVar:

ClinVar aggregate classification (germline): Pathogenic (1 of 4 stars; one submission).

Conditions:
Familial adenomatous polyposis 3. Also called: NTHL1-Related Adenomatous Polyposis and Colorectal Cancer; NTHL1 Tumor Syndrome; NTHL1-related attenuated familial adenomatous polyposis; NTHL1-associated polyposis. Identifiers: Orphanet 220460, Orphanet 454840, MedGen C4225157, MONDO:0014630, OMIM 616415.

Submission:

Myriad Genetics, Inc.
Classification: Pathogenic for Familial adenomatous polyposis 3. Last evaluated: 2023-09-01. Review status: criteria provided, single submitter. Criteria: Myriad Autosomal Dominant, Autosomal Recessive and X-Linked Classification Criteria (2023). Collection method: clinical testing. Allele origin: unknown.
Comment: This variant is considered pathogenic. This variant creates a termination codon and is predicted to result in premature protein truncation.

NM_002528.7(NTHL1):c.322G>T (p.Glu108Ter)

Gene: NTHL1 (nth like DNA glycosylase 1; minus strand). Cytogenetic location: 16p13.3.
Variant type: single nucleotide variant.
Coding change: c.322G>T on transcript NM_002528.7 (MANE Select); coding-DNA position 322, G replaced by T.
Protein change: p.Glu108Ter; replaces glutamic acid 108 with a stop codon.
Molecular consequence: nonsense. On other transcripts: intron variant (1).
Genome position (GRCh38, 1-based): chr16:2,046,160, C>A on the plus strand (G>T on the coding strand, the complement: NTHL1 is on the minus strand). VCF-style: chr16-2046160-C-A. GRCh37 (hg19) VCF-style: chr16-2096161-C-A.
Other names: c.322G>T, p.Glu108Ter (NM_001318193.2); c.24+120G>T (NM_001318194.2); short protein forms E108*.
Identifiers: ClinVar variation 2673803 (VCV002673803.1), dbSNP rs1596222596, ClinGen allele CA394295274.